The following is an entry in ClinVar:

NM_152305.3(POGLUT1):c.434T>C (p.Ile145Thr)

Gene: POGLUT1 (protein O-glucosyltransferase 1; plus strand). Cytogenetic location: 3q13.33.
Variant type: single nucleotide variant.
Coding change: c.434T>C on transcript NM_152305.3 (MANE Select); coding-DNA position 434, T replaced by C.
Protein change: p.Ile145Thr; replaces isoleucine 145 with threonine.
Molecular consequence: missense variant. On other transcripts: non-coding transcript variant (1).
Genome position (GRCh38, 1-based): chr3:119,477,426, T>C. VCF-style: chr3-119477426-T-C. GRCh37 (hg19) VCF-style: chr3-119196273-T-C.
Other names: c.434T>C, p.Ile145Thr (NM_020231.3); short protein forms I145T.
Identifiers: ClinVar variation 2813555 (VCV002813555.3), dbSNP rs2473027450, ClinGen allele CA354040875.

ClinVar aggregate classification (germline): Uncertain significance (1 of 4 stars; one submission).

Allele frequency attached by ClinVar (database versions not stated): gnomAD exomes below 0.00001.
gnomAD v4.1: 1 of 1,614,188 alleles (0.000062%); highest among the groups gnomAD compares: Non-Finnish European, 0.000085%; no homozygotes.

Submission:

Labcorp Genetics (formerly Invitae), Labcorp
Classification: Uncertain significance. Last evaluated: 2022-11-10. Review status: criteria provided, single submitter. Criteria: Invitae Variant Classification Sherloc (09022015). Collection method: clinical testing. Allele origin: germline.
Comment: In summary, the available evidence is currently insufficient to determine the role of this variant in disease. Therefore, it has been classified as a Variant of Uncertain Significance. Advanced modeling of protein sequence and biophysical properties (such as structural, functional, and spatial information, amino acid conservation, physicochemical variation, residue mobility, and thermodynamic stability) performed at Invitae indicates that this missense variant is not expected to disrupt POGLUT1 protein function. This variant has not been reported in the literature in individuals affected with POGLUT1-related conditions. This variant is not present in population databases (gnomAD no frequency). This sequence change replaces isoleucine, which is neutral and non-polar, with threonine, which is neutral and polar, at codon 145 of the POGLUT1 protein (p.Ile145Thr).